The following is an entry in ClinVar:

ClinVar aggregate classification (germline): Pathogenic (1 of 4 stars; one submission).

Conditions:
Joubert syndrome. Also called: JOUBERT-BOLTSHAUSER SYNDROME; Familial aplasia of the vermis. Identifiers: Orphanet 475, MedGen C5979921, MONDO:0018772.
Meckel-Gruber syndrome. Also called: DYSENCEPHALIA SPLANCHNOCYSTICA; GRUBER SYNDROME; Dysencephalia splachnocystica. Identifiers: Orphanet 564, MedGen C0265215, MONDO:0018921.

Submission:

Labcorp Genetics (formerly Invitae), Labcorp
Classification: Pathogenic for Joubert syndrome; Meckel-Gruber syndrome. Last evaluated: 2023-11-10. Review status: criteria provided, single submitter. Criteria: Invitae Variant Classification Sherloc (09022015). Collection method: clinical testing. Allele origin: germline.
Comment: This sequence change creates a premature translational stop signal (p.Tyr1092*) in the CC2D2A gene. It is expected to result in an absent or disrupted protein product. Loss-of-function variants in CC2D2A are known to be pathogenic (PMID: 19777577). This variant is not present in population databases (gnomAD no frequency). This variant has not been reported in the literature in individuals affected with CC2D2A-related conditions. For these reasons, this variant has been classified as Pathogenic.

Literature cited by the submitters: PubMed 19777577.

NM_001378615.1(CC2D2A):c.3276C>A (p.Tyr1092Ter)

Genes: CC2D2A (coiled-coil and C2 domain containing 2A; plus strand), FBXL5 (F-box and leucine rich repeat protein 5; minus strand). Cytogenetic location: 4p15.32.
Variant type: single nucleotide variant.
Coding change: c.3276C>A on transcript NM_001378615.1 (MANE Select); coding-DNA position 3276, C replaced by A.
Protein change: p.Tyr1092Ter; replaces tyrosine 1092 with a stop codon.
Molecular consequence: nonsense.
Genome position (GRCh38, 1-based): chr4:15,567,470, C>A. VCF-style: chr4-15567470-C-A. GRCh37 (hg19) VCF-style: chr4-15569093-C-A.
Other names: c.3276C>A, p.Tyr1092Ter (NM_001080522.2); c.3129C>A, p.Tyr1043Ter (NM_001378617.1); short protein forms Y1092*, Y1043*.
Identifiers: ClinVar variation 2942679 (VCV002942679.3), dbSNP rs1719937487, ClinGen allele CA356417912.